The following is an entry in ClinVar:

NM_015631.6(TCTN3):c.958G>T (p.Val320Leu)

Gene: TCTN3 (tectonic family member 3; minus strand). Cytogenetic location: 10q24.1.
Variant type: single nucleotide variant.
Coding change: c.958G>T on transcript NM_015631.6 (MANE Select); coding-DNA position 958, G replaced by T.
Protein change: p.Val320Leu; replaces valine 320 with leucine.
Molecular consequence: missense variant. On other transcripts: intron variant (1).
Genome position (GRCh38, 1-based): chr10:95,685,567, C>A on the plus strand (G>T on the coding strand, the complement: TCTN3 is on the minus strand). VCF-style: chr10-95685567-C-A. GRCh37 (hg19) VCF-style: chr10-97445324-C-A.
Other names: c.1012G>T, p.Val338Leu (NM_001013840.1); c.651+928G>T (NM_001143973.2); short protein forms V338L, V320L.
Identifiers: ClinVar variation 2074414 (VCV002074414.4), dbSNP rs1032919947, ClinGen allele CA211804297.

ClinVar aggregate classification (germline): Uncertain significance (1 of 4 stars; one submission).

Conditions:
Joubert syndrome 18 (JBTS18). Identifiers: Orphanet 2754, MedGen C3553758, MONDO:0013896, OMIM 614815.
Orofacial-digital syndrome IV (OFD4). Also called: BARAITSER-BURN SYNDROME; OFD SYNDROME WITH TIBIAL DEFECTS; OFD SYNDROME, BARAITSER-BURN TYPE; OFDS IV; ORAL-FACIAL-DIGITAL SYNDROME, TYPE IV; Orofaciodigital syndrome IV. Identifiers: Orphanet 2753, MedGen C0406727, MONDO:0009794, OMIM 258860.

Allele frequency attached by ClinVar (database versions not stated): gnomAD exomes 0.00001; gnomAD 0.00003; TOPMed 0.00003.
gnomAD v4.1: 9 of 1,551,164 alleles (0.00058%); highest among the groups gnomAD compares: African/African-American, 0.0082%; no homozygotes.

Submission:

Labcorp Genetics (formerly Invitae), Labcorp
Classification: Uncertain significance for Joubert syndrome 18; Orofacial-digital syndrome IV. Last evaluated: 2022-06-01. Review status: criteria provided, single submitter. Criteria: Invitae Variant Classification Sherloc (09022015). Collection method: clinical testing. Allele origin: germline.
Comment: In summary, the available evidence is currently insufficient to determine the role of this variant in disease. Therefore, it has been classified as a Variant of Uncertain Significance. Algorithms developed to predict the effect of missense changes on protein structure and function are either unavailable or do not agree on the potential impact of this missense change (SIFT: "Deleterious"; PolyPhen-2: "Possibly Damaging"; Align-GVGD: "Class C0"). This variant has not been reported in the literature in individuals affected with TCTN3-related conditions. This variant is present in population databases (no rsID available, gnomAD 0.008%). This sequence change replaces valine, which is neutral and non-polar, with leucine, which is neutral and non-polar, at codon 320 of the TCTN3 protein (p.Val320Leu).